The following is an entry in ClinVar:

NM_001195626.3(MLLT10):c.2090G>A (p.Arg697His)

Gene: MLLT10 (MLLT10 histone lysine methyltransferase DOT1L cofactor; plus strand). Cytogenetic location: 10p12.31.
Variant type: single nucleotide variant.
Coding change: c.2090G>A on transcript NM_001195626.3 (MANE Select); coding-DNA position 2090, G replaced by A.
Protein change: p.Arg697His; replaces arginine 697 with histidine.
Molecular consequence: missense variant. On other transcripts: non-coding transcript variant (1).
Genome position (GRCh38, 1-based): chr10:21,730,926, G>A. VCF-style: chr10-21730926-G-A. GRCh37 (hg19) VCF-style: chr10-22019855-G-A.
Other names: c.1355G>A, p.Arg452His (NM_001324297.2); c.2138G>A, p.Arg713His (NM_004641.4); short protein forms R452H, R697H, R713H.
Identifiers: ClinVar variation 3048925 (VCV003048925.2), dbSNP rs142554860, ClinGen allele CA5435077.

ClinVar aggregate classification (germline): Likely benign (0 of 4 stars; one submission).

Conditions:
MLLT10-related disorder. Also called: MLLT10-related condition.

Allele frequency attached by ClinVar (database versions not stated): 1000 Genomes Project 30x 0.00016; 1000 Genomes Project 0.00020; TOPMed 0.00168; gnomAD 0.00170; ESP Exome Variant Server 0.00238.
gnomAD v4.1: 3,555 of 1,614,052 alleles (0.22%); highest among the groups gnomAD compares: Non-Finnish European, 0.27%; 13 homozygotes.

Submission:

PreventionGenetics, part of Exact Sciences
Classification: Likely benign for MLLT10-related condition. Last evaluated: 2022-03-18. Review status: no assertion criteria provided. Collection method: clinical testing. Allele origin: germline.
Comment: This variant is classified as likely benign based on ACMG/AMP sequence variant interpretation guidelines (Richards et al. 2015 PMID: 25741868, with internal and published modifications).